The following is an entry in ClinVar:

NM_000135.4(FANCA):c.371T>C (p.Ile124Thr)

Gene: FANCA (FA complementation group A; minus strand). Cytogenetic location: 16q24.3.
Variant type: single nucleotide variant.
Coding change: c.371T>C on transcript NM_000135.4 (MANE Select); coding-DNA position 371, T replaced by C.
Protein change: p.Ile124Thr; replaces isoleucine 124 with threonine.
Molecular consequence: missense variant.
Genome position (GRCh38, 1-based): chr16:89,810,984, A>G on the plus strand (T>C on the coding strand, the complement: FANCA is on the minus strand). VCF-style: chr16-89810984-A-G. GRCh37 (hg19) VCF-style: chr16-89877392-A-G.
Other names: c.371T>C, p.Ile124Thr (NM_001018112.3, NM_001286167.3, NM_001351830.2); short protein forms I124T.
Identifiers: ClinVar variation 1950820 (VCV001950820.5), dbSNP rs2544364624, ClinGen allele CA397480956.

ClinVar aggregate classification (germline): Uncertain significance (1 of 4 stars; one submission).

Conditions:
Fanconi anemia (FA). Also called: Fanconi's anemia. Identifiers: Orphanet 84, MedGen C0015625, MeSH D005199, MONDO:0019391.

Submission:

Labcorp Genetics (formerly Invitae), Labcorp
Classification: Uncertain significance for Fanconi anemia. Last evaluated: 2022-07-21. Review status: criteria provided, single submitter. Criteria: Invitae Variant Classification Sherloc (09022015). Collection method: clinical testing. Allele origin: germline.
Comment: In summary, the available evidence is currently insufficient to determine the role of this variant in disease. Therefore, it has been classified as a Variant of Uncertain Significance. Advanced modeling of protein sequence and biophysical properties (such as structural, functional, and spatial information, amino acid conservation, physicochemical variation, residue mobility, and thermodynamic stability) performed at Invitae indicates that this missense variant is not expected to disrupt FANCA protein function. This variant has not been reported in the literature in individuals affected with FANCA-related conditions. This variant is not present in population databases (gnomAD no frequency). This sequence change replaces isoleucine, which is neutral and non-polar, with threonine, which is neutral and polar, at codon 124 of the FANCA protein (p.Ile124Thr).